The following is an entry in ClinVar:

NM_000059.4(BRCA2):c.7008-5T>C

Gene: BRCA2 (BRCA2 DNA repair associated; plus strand). Cytogenetic location: 13q13.1.
Variant type: single nucleotide variant.
Coding change: c.7008-5T>C on transcript NM_000059.4 (MANE Select); 5 bases into the intron before coding-DNA position 7008, T replaced by C.
Molecular consequence: intron variant.
Genome position (GRCh38, 1-based): chr13:32,354,856, T>C. VCF-style: chr13-32354856-T-C. GRCh37 (hg19) VCF-style: chr13-32928993-T-C.
Other names: IVS13-5T>C.
Identifiers: ClinVar variation 38078 (VCV000038078.27), dbSNP rs397507380, ClinGen allele CA024740.

ClinVar aggregate classification (germline): Likely benign. Review status: reviewed by expert panel (3 of 4 stars). 10 submissions from 10 submitters: Likely benign (1). 9 of the submissions do not count toward it. Last evaluated 2024-06-11.

Conditions:
BRCA2-related cancer predisposition. Identifiers: MedGen CN377758, MONDO:0700269.
Hereditary cancer-predisposing syndrome. Also called: Tumor predisposition; Neoplastic Syndromes, Hereditary; Hereditary neoplastic syndrome; Hereditary Cancer Syndrome. Identifiers: Orphanet 140162, MedGen C0027672, MeSH D009386, MONDO:0015356.
Hereditary breast ovarian cancer syndrome. Also called: Hereditary breast and ovarian cancer; Hereditary breast and ovarian cancer syndrome (HBOC); Hereditary breast and/or ovarian cancer syndrome; Breast and ovarian cancer; Hereditary breast and ovarian cancer syndrome; BRCA1- and BRCA2-Associated Hereditary Breast and Ovarian Cancer. Identifiers: Orphanet 145, MedGen C0677776, MeSH D061325, MONDO:0003582. Disease mechanism: loss of function.
Breast-ovarian cancer, familial, susceptibility to, 2 (BROVCA2). Also called: BRCA2 Hereditary Breast and Ovarian Cancer. Identifiers: Orphanet 145, MedGen C2675520, MONDO:0012933, OMIM 612555. Disease mechanism: loss of function.
Malignant tumor of breast. Also called: Malignant breast neoplasm; Cancer breast. Identifiers: MedGen C0006142, MONDO:0007254. Disease mechanism: loss of function.

Submissions (10):

ClinGen ENIGMA BRCA1 and BRCA2 Variant Curation Expert Panel, ClinGen
Classification: Likely benign for BRCA2-related cancer predisposition. Last evaluated: 2024-06-11. Review status: reviewed by expert panel. Criteria: CSpec BRCA1/2ACMG Rules Specifications V1.0. Collection method: curation. Allele origin: germline. Inheritance: Autosomal dominant inheritance.
Comment: The c.7008-5T>C variant is an intronic variant occurring in intron 13 of the BRCA2 gene. This variant is absent from gnomAD v2.1 (exomes only, non-cancer subset, read depth >=25) and gnomAD v3.1 (non-cancer subset, read depth >=25) (PM2_Supporting met). This BRCA2 intronic variant is outside of the native donor and acceptor 1,2 splice sites, and the SpliceAI predictor score of 0.12 indicates that impact on splicing is unclear (score range 0.10-0.20) (PP3 and BP4 not met). This is an intronic variant, and mRNA experimental analysis indicates no impact on splicing (PMID: 31191615), considered strong evidence against pathogenicity (BP7_Strong (RNA)). In summary, this variant meets the criteria to be classified as a Likely benign variant for BRCA2-related cancer predisposition based on the ACMG/AMP criteria applied as specified by the ENIGMA BRCA1/2 VCEP (PM2_Supporting, BP7_Strong (RNA)).

Labcorp Genetics (formerly Invitae), Labcorp
Classification: Likely benign for Hereditary breast ovarian cancer syndrome. Last evaluated: 2025-07-31. Review status: criteria provided, single submitter. Criteria: Invitae Variant Classification Sherloc (09022015). Collection method: clinical testing. Allele origin: germline. Not counted in ClinVar's aggregate classification.

Women's Health and Genetics/Laboratory Corporation of America, LabCorp
Classification: Likely benign. Last evaluated: 2025-04-23. Review status: criteria provided, single submitter. Criteria: LabCorp Variant Classification Summary - May 2015. Collection method: clinical testing. Allele origin: germline. Not counted in ClinVar's aggregate classification.
Comment: Variant summary: BRCA2 c.7008-5T>C alters a non-conserved nucleotide located at a position not widely known to affect splicing. Consensus agreement among computation tools predict no significant impact on normal splicing. However, these predictions have yet to be confirmed by functional studies. The variant was absent in 250206 control chromosomes. The available data on variant occurrences in the general population are insufficient to allow any conclusion about variant significance. To our knowledge, no occurrence of c.7008-5T>C in individuals affected with Hereditary Breast And Ovarian Cancer Syndrome and no experimental evidence demonstrating its impact on protein function have been reported. ClinVar contains an entry for this variant (Variation ID: 38078). Based on the evidence outlined above, the variant was classified as likely benign.

Color Diagnostics, LLC DBA Color Health
Classification: Likely benign for Hereditary cancer-predisposing syndrome. Last evaluated: 2024-11-26. Review status: criteria provided, single submitter. Criteria: ACMG Guidelines, 2015. Collection method: clinical testing. Allele origin: germline. Not counted in ClinVar's aggregate classification.

Sema4
Classification: Uncertain significance for Hereditary cancer-predisposing syndrome. Last evaluated: 2021-09-07. Review status: criteria provided, single submitter. Criteria: Sema4 Curation Guidelines. Collection method: curation. Allele origin: germline. Not counted in ClinVar's aggregate classification.
Comment: To the best of our knowledge, the BRCA2 c.7008-5T>C variant has not been reported in individuals with BRCA2-related disease. It was not observed in the large and broad cohorts of the Genome Aggregation Database. The variant has been reported in ClinVar (Variation ID 38078). In silico tools suggest the impact of the variant on protein function is benign, and a functional study using a minigene assay showed that the variant only produced the wildtype transcript (PMID: 31191615). There is no indication that this variant causes disease, but the evidence is insufficient currently to prove that conclusively. Thus, the clinical significance of this variant is currently uncertain.

Ambry Genetics
Classification: Likely benign for Hereditary cancer-predisposing syndrome. Last evaluated: 2021-03-15. Review status: criteria provided, single submitter. Criteria: Ambry Variant Classification Scheme 2023. Collection method: clinical testing. Allele origin: germline. Not counted in ClinVar's aggregate classification.

GeneDx
Classification: Uncertain significance. Last evaluated: 2018-07-30. Review status: criteria provided, single submitter. Criteria: GeneDx Variant Classification (06012015). Collection method: clinical testing. Allele origin: germline. Affected: yes. Not counted in ClinVar's aggregate classification.
Comment: This variant is denoted BRCA2 c.7008-5T>C or IVS13-5T>C and consists of a T>C nucleotide substitution at the -5 position of intron 13 of the BRCA2 gene. Using alternate nomenclature, this variant would be defined as BRCA2 7236-5T>C. In silico analysis, which includes splice predictors and evolutionary conservation, supports that this variant does not alter protein structure/function; however, in the absence of RNA or functional studies, the actual effect of this variant is unknown.? This variant has not, to our knowledge, been published in the literature as a pathogenic or benign germline variant. BRCA2 c.7008-5T>C was not observed in large population cohorts. Based on currently available evidence, it is unclear whether BRCA2 c.7008-5T>C is a pathogenic or benign variant. We consider it to be a variant of uncertain significance.

Quest Diagnostics Nichols Institute San Juan Capistrano
Classification: Uncertain significance. Last evaluated: 2016-09-13. Review status: criteria provided, single submitter. Criteria: Quest Diagnostics criteria. Collection method: clinical testing. Allele origin: germline. Not counted in ClinVar's aggregate classification.

Sharing Clinical Reports Project (SCRP)
Classification: Uncertain significance for Breast-ovarian cancer, familial 2. Last evaluated: 2011-03-03. Review status: no assertion criteria provided. Collection method: clinical testing. Allele origin: germline. Not counted in ClinVar's aggregate classification.

Department of Pathology and Laboratory Medicine, Sinai Health System
Classification: Uncertain significance for Malignant tumor of breast. Review status: no assertion criteria provided. Collection method: clinical testing. Allele origin: unknown. Affected: yes. Study: The Canadian Open Genetics Repository (COGR). Not counted in ClinVar's aggregate classification.
Comment: The BRCA2 c.7008-5T>C variant was not identified in the literature nor was it identified in the UMD-LSDB database. The variant was identified in dbSNP (ID: rs397507380) as "With Uncertain significance allele", ClinVar (classified as uncertain significance by GeneDx, Invitae, Ambry Genetics, and four other submitters), and in LOVD 3.0 (1x as uncertain). The variant was not identified in the following control databases: the Exome Aggregation Consortium (August 8th 2016), or the Genome Aggregation Database (Feb 27, 2017). The c.7008-5T>C variant is located in the 3' splice region but does not affect the invariant -1 and -2 positions. However, positions -3 and -5 to -12 are part of the splicing consensus sequence and variants involving these positions sometimes affect splicing. In addition, 1 of 4 in silico or computational prediction software programs (SpliceSiteFinder, MaxEntScan, NNSPLICE, GeneSplicer) predict a greater than 10% difference in splicing. In summary, based on the above information the clinical significance of this variant cannot be determined with certainty at this time. This variant is classified as a variant of uncertain significance.

Literature cited by the submitters: PubMed 31191615 (cited by Sema4 and Ambry Genetics).